The following is an entry in ClinVar:

ClinVar aggregate classification (germline): Uncertain significance (1 of 4 stars; one submission).

Submission:

Labcorp Genetics (formerly Invitae), Labcorp
Classification: Uncertain significance. Last evaluated: 2023-08-27. Review status: criteria provided, single submitter. Criteria: Invitae Variant Classification Sherloc (09022015). Collection method: clinical testing. Allele origin: germline.
Comment: This sequence change replaces glycine, which is neutral and non-polar, with cysteine, which is neutral and slightly polar, at codon 197 of the OR2W3 protein (p.Gly197Cys). This variant is present in population databases (rs754327817, gnomAD 0.003%). This variant has not been reported in the literature in individuals affected with OR2W3-related conditions. An algorithm developed to predict the effect of missense changes on protein structure and function (PolyPhen-2) suggests that this variant is likely to be disruptive. In summary, the available evidence is currently insufficient to determine the role of this variant in disease. Therefore, it has been classified as a Variant of Uncertain Significance.

NM_001001957.2(OR2W3):c.589G>T (p.Gly197Cys)

Gene: OR2W3 (olfactory receptor family 2 subfamily W member 3; plus strand). Cytogenetic location: 1q44.
Variant type: single nucleotide variant.
Coding change: c.589G>T on transcript NM_001001957.2 (MANE Select); coding-DNA position 589, G replaced by T.
Protein change: p.Gly197Cys; replaces glycine 197 with cysteine.
Molecular consequence: missense variant.
Genome position (GRCh38, 1-based): chr1:247,896,175, G>T. VCF-style: chr1-247896175-G-T. GRCh37 (hg19) VCF-style: chr1-248059477-G-T.
Other names: short protein forms G197C.
Identifiers: ClinVar variation 2903346 (VCV002903346.3), dbSNP rs754327817, ClinGen allele CA1498644.